The following is an entry in ClinVar:

ClinVar aggregate classification (germline): Uncertain significance. Review status: criteria provided, multiple submitters, no conflicts (2 of 4 stars). 2 submissions from 2 submitters: Uncertain significance (2). Last evaluated 2024-08-21.

Conditions:
Seizures, benign familial infantile, 3 (BFIS3). Also called: Familial neonatal seizures; CONVULSIONS, BENIGN FAMILIAL INFANTILE, 3. Identifiers: Orphanet 140927, Orphanet 306, MedGen C1843140, MONDO:0011904, OMIM 607745.
Developmental and epileptic encephalopathy, 11 (DEE11). Also called: Early infantile epileptic encephalopathy 11. Identifiers: Orphanet 1934, MedGen C3150987, MONDO:0013388, OMIM 613721.
Inborn genetic diseases. Identifiers: MedGen C0950123, MeSH D030342.

Allele frequency attached by ClinVar (database versions not stated): TOPMed 0.00001.

Submissions (2):

Ambry Genetics
Classification: Uncertain significance for Inborn genetic diseases. Last evaluated: 2024-08-21. Review status: criteria provided, single submitter. Criteria: Ambry Variant Classification Scheme 2023. Collection method: clinical testing. Allele origin: germline.
Comment: The c.1046A>C (p.E349A) alteration is located in exon 9 (coding exon 8) of the SCN2A gene. This alteration results from an A to C substitution at nucleotide position 1046, causing the glutamic acid (E) at amino acid position 349 to be replaced by an alanine (A). This variant was not reported in population-based cohorts in the Genome Aggregation Database (gnomAD). This amino acid position is highly conserved in available vertebrate species. This alteration is predicted to be deleterious by in silico analysis. Based on insufficient or conflicting evidence, the clinical significance of this alteration remains unclear.

Labcorp Genetics (formerly Invitae), Labcorp
Classification: Uncertain significance for Seizures, benign familial infantile, 3; Developmental and epileptic encephalopathy, 11. Last evaluated: 2022-07-05. Review status: criteria provided, single submitter. Criteria: Invitae Variant Classification Sherloc (09022015). Collection method: clinical testing. Allele origin: germline.
Comment: This sequence change replaces glutamic acid, which is acidic and polar, with alanine, which is neutral and non-polar, at codon 349 of the SCN2A protein (p.Glu349Ala). This variant is not present in population databases (gnomAD no frequency). This variant has not been reported in the literature in individuals affected with SCN2A-related conditions. ClinVar contains an entry for this variant (Variation ID: 649829). Algorithms developed to predict the effect of missense changes on protein structure and function are either unavailable or do not agree on the potential impact of this missense change (SIFT: "Deleterious"; PolyPhen-2: "Possibly Damaging"; Align-GVGD: "Class C0"). In summary, the available evidence is currently insufficient to determine the role of this variant in disease. Therefore, it has been classified as a Variant of Uncertain Significance.

NM_001040142.2(SCN2A):c.1046A>C (p.Glu349Ala)

Gene: SCN2A (sodium voltage-gated channel alpha subunit 2; plus strand). Cytogenetic location: 2q24.3.
Variant type: single nucleotide variant.
Coding change: c.1046A>C on transcript NM_001040142.2 (MANE Select); coding-DNA position 1046, A replaced by C.
Protein change: p.Glu349Ala; replaces glutamic acid 349 with alanine.
Molecular consequence: missense variant.
Genome position (GRCh38, 1-based): chr2:165,313,631, A>C. VCF-style: chr2-165313631-A-C. GRCh37 (hg19) VCF-style: chr2-166170141-A-C.
Other names: c.1046A>C, p.Glu349Ala (NM_001040143.2, NM_001371246.1, NM_001371247.1 and 1 more transcripts); short protein forms E349A.
Identifiers: ClinVar variation 649829 (VCV000649829.10), dbSNP rs1574566659, ClinGen allele CA349020271.
Genomic context (GRCh38, chr2:165,313,631, plus strand): 5'-GCAGACTTGCCGTTATTGACTTCCTTTCTTTCCTCTAACCTAATTATAGCCAGTGTCCTG[A>C]AGGATACATCTGTGTGAAGGCTGGTAGAAACCCCAACTATGGCTACACGAGCTTTGACAC-3'
Protein context (NP_001035232.1, residues 339-359): GNSSDAGQCP[Glu349Ala]GYICVKAGRN